The following is an entry in ClinVar:

ClinVar aggregate classification (germline): Uncertain significance. Review status: criteria provided, multiple submitters, no conflicts (2 of 4 stars). 5 submissions from 5 submitters: Uncertain significance (5). Last evaluated 2025-10-01.

Conditions:
Inborn genetic diseases. Identifiers: MedGen C0950123, MeSH D030342.
Left ventricular noncompaction 8 (LVNC8). Identifiers: Orphanet 154, Orphanet 54260, MedGen C3809288, MONDO:0014152, OMIM 615373.

Allele frequency attached by ClinVar (database versions not stated): gnomAD 0.00003 and 0.00002; TOPMed 0.00003; ExAC 0.00013; gnomAD exomes 0.00014.
gnomAD v4.1: 155 of 1,613,580 alleles (0.0096%); highest among the groups gnomAD compares: South Asian, 0.093%; 1 homozygote.

Submissions (5):

Labcorp Genetics (formerly Invitae), Labcorp
Classification: Uncertain significance for Left ventricular noncompaction 8. Last evaluated: 2025-10-01. Review status: criteria provided, single submitter. Criteria: Invitae Variant Classification Sherloc (09022015). Collection method: clinical testing. Allele origin: germline.
Comment: This sequence change replaces arginine, which is basic and polar, with histidine, which is basic and polar, at codon 582 of the PRDM16 protein (p.Arg582His). This variant is present in population databases (rs529401311, gnomAD 0.09%), and has an allele count higher than expected for a pathogenic variant. This variant has not been reported in the literature in individuals affected with PRDM16-related conditions. ClinVar contains an entry for this variant (Variation ID: 474412). An algorithm developed to predict the effect of missense changes on protein structure and function outputs the following: PolyPhen-2: "Benign". The histidine amino acid residue is found in multiple mammalian species, which suggests that this missense change does not adversely affect protein function. In summary, the available evidence is currently insufficient to determine the role of this variant in disease. Therefore, it has been classified as a Variant of Uncertain Significance.

Ambry Genetics
Classification: Uncertain significance for Inborn genetic diseases. Last evaluated: 2022-12-21. Review status: criteria provided, single submitter. Criteria: Ambry Variant Classification Scheme 2023. Collection method: clinical testing. Allele origin: germline.

Fulgent Genetics
Classification: Uncertain significance for Left ventricular noncompaction 8. Last evaluated: 2018-10-31. Review status: criteria provided, single submitter. Criteria: ACMG Guidelines, 2015. Collection method: clinical testing. Allele origin: unknown.

Stanford Center for Inherited Cardiovascular Disease, Stanford University
Classification: Uncertain significance. Last evaluated: 2018-01-25. Review status: criteria provided, single submitter. Criteria: ACMG Guidelines, 2015. Collection method: provider interpretation. Allele origin: germline.

Eurofins Ntd Llc (ga)
Classification: Uncertain significance. Last evaluated: 2017-05-03. Review status: criteria provided, single submitter. Criteria: EGL Classification Definitions 2015. Collection method: clinical testing. Allele origin: germline. Observed: 1 variant allele, 1 heterozygote.

NM_022114.4(PRDM16):c.1745G>A (p.Arg582His)

Gene: PRDM16 (PR/SET domain 16; plus strand). Cytogenetic location: 1p36.32.
Variant type: single nucleotide variant.
Coding change: c.1745G>A on transcript NM_022114.4 (MANE Select); coding-DNA position 1745, G replaced by A.
Protein change: p.Arg582His; replaces arginine 582 with histidine.
Molecular consequence: missense variant.
Genome position (GRCh38, 1-based): chr1:3,411,942, G>A. VCF-style: chr1-3411942-G-A. GRCh37 (hg19) VCF-style: chr1-3328506-G-A.
Other names: c.1745G>A, p.Arg582His (NM_199454.3); short protein forms R582H.
Identifiers: ClinVar variation 474412 (VCV000474412.18), dbSNP rs529401311, ClinGen allele CA544275.